The following is an entry in ClinVar:

NM_001371904.1(APOA5):c.553G>T (p.Gly185Cys)

Gene: APOA5 (apolipoprotein A5; minus strand). Cytogenetic location: 11q23.3.
Variant type: single nucleotide variant.
Coding change: c.553G>T on transcript NM_001371904.1 (MANE Select); coding-DNA position 553, G replaced by T.
Protein change: p.Gly185Cys; replaces glycine 185 with cysteine.
Molecular consequence: missense variant.
Genome position (GRCh38, 1-based): chr11:116,790,676, C>A on the plus strand (G>T on the coding strand, the complement: APOA5 is on the minus strand). VCF-style: chr11-116790676-C-A. GRCh37 (hg19) VCF-style: chr11-116661392-C-A.
Other names: c.553G>T, p.Gly185Cys (NM_001166598.2, NM_052968.5); short protein forms G185C.
Identifiers: ClinVar variation 4402 (VCV000004402.19), dbSNP rs2075291, ClinGen allele CA116843.
Genomic context (GRCh38, chr11:116,790,676, plus strand): 5'-GGCGCCCGATGCCGCTCACCAGGCTCTCGGCGTATGGGTGGAAGAGCTCTTTGAAGCGGC[C>A]GGTGTGGTGCACCACGCGGCTCTGCAGTCCCTGCAGCAAAGCCCAAGCCTCGTCCACGCC-3'
Protein context (NP_001358833.1, residues 175-195): GLQSRVVHHT[Gly185Cys]RFKELFHPYA

ClinVar aggregate classification (germline): Conflicting classifications of pathogenicity. Review status: criteria provided, conflicting classifications (1 of 4 stars). 7 submissions from 7 submitters: Uncertain significance (1); Benign (4); Likely benign (1). 1 of the submissions does not count toward it. Last evaluated 2026-02-01.

Conditions:
Cardiovascular phenotype. Identifiers: MedGen CN230736.
Hypertriglyceridemia 1. Also called: Hypertriglyceridemia, familial. Identifiers: MedGen C5444012, MONDO:0007788, OMIM 145750.

Allele frequency attached by ClinVar (database versions not stated): gnomAD 0.00514; 1000 Genomes Project 30x 0.01093; TOPMed 0.00548; 1000 Genomes Project 0.01138.
gnomAD v4.1: 4,702 of 1,612,572 alleles (0.29%); highest among the groups gnomAD compares: East Asian, 7.1%; 142 homozygotes.

Submissions (7):

Labcorp Genetics (formerly Invitae), Labcorp
Classification: Benign. Last evaluated: 2026-02-01. Review status: criteria provided, single submitter. Criteria: Invitae Variant Classification Sherloc (09022015). Collection method: clinical testing. Allele origin: germline.

Mayo Clinic Laboratories, Mayo Clinic
Classification: Benign. Last evaluated: 2025-09-10. Review status: criteria provided, single submitter. Criteria: ACMG Guidelines, 2015. Collection method: clinical testing. Allele origin: germline. Observed: 1 variant allele.
Comment: BA1, PS3

Women's Health and Genetics/Laboratory Corporation of America, LabCorp
Classification: Likely benign. Last evaluated: 2024-03-05. Review status: criteria provided, single submitter. Criteria: LabCorp Variant Classification Summary - May 2015. Collection method: clinical testing. Allele origin: germline.
Comment: Variant summary: APOA5 c.553G>T (p.Gly185Cys) results in a non-conservative amino acid change in the encoded protein sequence. Three of five in-silico tools predict a damaging effect of the variant on protein function. The variant allele was found at a frequency of 0.0064 in 248436 control chromosomes, predominantly at a frequency of 0.067 within the East Asian subpopulation in the gnomAD database, including 54 homozygotes. The observed variant frequency within East Asian control individuals in the gnomAD database is approximately 1005 fold of the estimated maximal expected allele frequency for a pathogenic variant in APOA5 causing Hypertriglyceridemia phenotype (6.7e-05), strongly suggesting that the variant is a benign polymorphism found primarily in populations of East Asian origin. The following publications have been ascertained in the context of this evaluation (PMID: 18635818, 25127531, 20657596). ClinVar contains an entry for this variant (Variation ID: 4402). Based on the evidence outlined above, the variant was classified as likely benign.

Ambry Genetics
Classification: Benign for Cardiovascular phenotype. Last evaluated: 2019-05-24. Review status: criteria provided, single submitter. Criteria: Ambry Variant Classification Scheme 2023. Collection method: clinical testing. Allele origin: germline.

Institute of Human Genetics, University of Leipzig Medical Center
Classification: Uncertain significance for Hypertriglyceridemia 1. Last evaluated: 2019-01-01. Review status: criteria provided, single submitter. Criteria: ACMG Guidelines, 2015. Collection method: clinical testing. Allele origin: unknown. Affected: yes.

GeneDx
Classification: Benign. Last evaluated: 2018-11-07. Review status: criteria provided, single submitter. Criteria: GeneDx Variant Classification Process June 2021. Collection method: clinical testing. Allele origin: germline. Affected: yes.
Comment: This variant is associated with the following publications: (PMID: 27813673, 31901151, 31619059, 30132804, 30420299, 29263402, 28548292, 27516387, 26079787, 26690388, 25843152, 12915450, 21423763, 20134407, 25487149, 22008704, 25127531, 18635818)

OMIM
Classification: risk factor for HYPERTRIGLYCERIDEMIA, SUSCEPTIBILITY TO, 1. Last evaluated: 2003-10-01. Review status: no assertion criteria provided. Collection method: literature only. Allele origin: germline. Not counted in ClinVar's aggregate classification.

Literature cited by the submitters: PubMed 12915450 (cited by Mayo Clinic Laboratories, Mayo Clinic and OMIM); PubMed 17457003 (cited by Mayo Clinic Laboratories, Mayo Clinic); PubMed 18441017 (cited by Mayo Clinic Laboratories, Mayo Clinic); PubMed 18635818 (cited by Mayo Clinic Laboratories, Mayo Clinic and Women's Health and Genetics/Laboratory Corporation of America, LabCorp); PubMed 25127531 (cited by Mayo Clinic Laboratories, Mayo Clinic and Women's Health and Genetics/Laboratory Corporation of America, LabCorp); PubMed 25487149 (cited by Mayo Clinic Laboratories, Mayo Clinic); PubMed 27206937 (cited by Mayo Clinic Laboratories, Mayo Clinic); PubMed 29211729 (cited by Mayo Clinic Laboratories, Mayo Clinic); PubMed 20657596 (cited by Women's Health and Genetics/Laboratory Corporation of America, LabCorp).